The following is an entry in ClinVar:

NM_138425.4(C12orf57):c.90G>A (p.Pro30=)

Gene: C12orf57 (chromosome 12 open reading frame 57; plus strand). Cytogenetic location: 12p13.31.
Variant type: single nucleotide variant.
Coding change: c.90G>A on transcript NM_138425.4 (MANE Select); coding-DNA position 90, G replaced by A.
Protein change: p.Pro30=; no amino-acid change (proline 30 retained).
Molecular consequence: synonymous variant. On other transcripts: 5 prime UTR variant (1), non-coding transcript variant (1).
Genome position (GRCh38, 1-based): chr12:6,944,513, G>A. VCF-style: chr12-6944513-G-A. GRCh37 (hg19) VCF-style: chr12-7053676-G-A.
Other names: c.90G>A, p.Pro30= (NM_001301834.1, NM_001301837.2); c.51G>A, p.Pro17= (NM_001301836.2); c.-16G>A (NM_001301838.2).
Identifiers: ClinVar variation 1964862 (VCV001964862.2), dbSNP rs2542669714, ClinGen allele CA478519881.
Genomic context (GRCh38, chr12:6,944,513, plus strand): 5'-CCTGGGATGCTTCTGGCGCGCAGTGGTCCTCGCGGAGGTGATCCAGGCGTTCTCCGCCCC[G>A]GAGAATGCAGTGCGCATGGACGAGGCTCGGGATAACGCCTGCAACGACATGGGTAAGATG-3'
Protein context (NP_612434.1, residues 20-40): LAEVIQAFSA[Pro30=]ENAVRMDEAR

ClinVar aggregate classification (germline): Uncertain significance (1 of 4 stars; one submission).

Conditions:
Temtamy syndrome (TEMTYS). Also called: MENTAL RETARDATION WITH OR WITHOUT CRANIOFACIAL DYSMORPHISM, OCULAR COLOBOMA, OR ABNORMAL CORPUS CALLOSUM. Identifiers: Orphanet 1777, MedGen C1857512, MONDO:0009033, OMIM 218340.

gnomAD v4.1: 1 of 1,613,584 alleles (0.000062%); highest among the groups gnomAD compares: Non-Finnish European, 0.000085%; no homozygotes.

Submission:

Labcorp Genetics (formerly Invitae), Labcorp
Classification: Uncertain significance for Temtamy syndrome. Last evaluated: 2022-05-04. Review status: criteria provided, single submitter. Criteria: Invitae Variant Classification Sherloc (09022015). Collection method: clinical testing. Allele origin: germline.
Comment: This sequence change affects codon 30 of the C12orf57 mRNA. It is a 'silent' change, meaning that it does not change the encoded amino acid sequence of the C12orf57 protein. This variant is not present in population databases (gnomAD no frequency). This variant has not been reported in the literature in individuals affected with C12orf57-related conditions. Algorithms developed to predict the effect of sequence changes on RNA splicing suggest that this variant may create or strengthen a splice site. In summary, the available evidence is currently insufficient to determine the role of this variant in disease. Therefore, it has been classified as a Variant of Uncertain Significance.